The following is an entry in ClinVar:

ClinVar aggregate classification (germline): Uncertain significance (1 of 4 stars; one submission).

Conditions:
RASopathy. Also called: Noonan spectrum disorder; rasopathies. Identifiers: Orphanet 536391, MedGen C5555857, MONDO:0021060.

Submission:

Labcorp Genetics (formerly Invitae), Labcorp
Classification: Uncertain significance for RASopathy. Last evaluated: 2022-02-27. Review status: criteria provided, single submitter. Criteria: Invitae Variant Classification Sherloc (09022015). Collection method: clinical testing. Allele origin: germline.
Comment: In summary, the available evidence is currently insufficient to determine the role of this variant in disease. Therefore, it has been classified as a Variant of Uncertain Significance. Algorithms developed to predict the effect of missense changes on protein structure and function output the following: SIFT: "Tolerated"; PolyPhen-2: "Benign"; Align-GVGD: "Class C0". The aspartic acid amino acid residue is found in multiple mammalian species, which suggests that this missense change does not adversely affect protein function. This variant has not been reported in the literature in individuals affected with RAF1-related conditions. This variant is not present in population databases (gnomAD no frequency). This sequence change replaces asparagine, which is neutral and polar, with aspartic acid, which is acidic and polar, at codon 522 of the RAF1 protein (p.Asn522Asp).

NM_002880.4(RAF1):c.1564A>G (p.Asn522Asp)

Gene: RAF1 (Raf-1 proto-oncogene, serine/threonine kinase; minus strand). Cytogenetic location: 3p25.2.
Variant type: single nucleotide variant.
Coding change: c.1564A>G on transcript NM_002880.4 (MANE Select); coding-DNA position 1564, A replaced by G.
Protein change: p.Asn522Asp; replaces asparagine 522 with aspartic acid.
Molecular consequence: missense variant. On other transcripts: non-coding transcript variant (3).
Genome position (GRCh38, 1-based): chr3:12,585,226, T>C on the plus strand (A>G on the coding strand, the complement: RAF1 is on the minus strand). VCF-style: chr3-12585226-T-C. GRCh37 (hg19) VCF-style: chr3-12626725-T-C.
Other names: c.1624A>G, p.Asn542Asp (NM_001354689.3); c.1564A>G, p.Asn522Asp (NM_001354690.3); c.1321A>G, p.Asn441Asp (NM_001354691.3, NM_001354692.3); c.1465A>G, p.Asn489Asp (NM_001354693.3); c.1381A>G, p.Asn461Asp (NM_001354694.3); c.1222A>G, p.Asn408Asp (NM_001354695.3); short protein forms N408D, N489D, N542D, N441D, N461D, N522D.
Identifiers: ClinVar variation 2108662 (VCV002108662.4), dbSNP rs1575531614, ClinGen allele CA351497870.